The following is an entry in ClinVar:

NM_001329943.3(KIAA0586):c.3182C>T (p.Thr1061Met)

Gene: KIAA0586 (KIAA0586; plus strand). Cytogenetic location: 14q23.1.
Variant type: single nucleotide variant.
Coding change: c.3182C>T on transcript NM_001329943.3 (MANE Select); coding-DNA position 3182, C replaced by T.
Protein change: p.Thr1061Met; replaces threonine 1061 with methionine.
Molecular consequence: missense variant.
Genome position (GRCh38, 1-based): chr14:58,487,044, C>T. VCF-style: chr14-58487044-C-T. GRCh37 (hg19) VCF-style: chr14-58953762-C-T.
Other names: c.3341C>T, p.Thr1114Met (NM_001244189.2); c.3137C>T, p.Thr1046Met (NM_001244190.2); c.2927C>T, p.Thr976Met (NM_001244191.2, NM_001329945.2, NM_001364700.1 and 1 more transcripts); c.3050C>T, p.Thr1017Met (NM_001244192.2); c.2762C>T, p.Thr921Met (NM_001244193.2); c.3182C>T, p.Thr1061Met (NM_001329944.2, NM_001329946.2, NM_001329947.2); c.2954C>T, p.Thr985Met (NM_014749.5); c.2954C>T (NM_014749.3); short protein forms T1114M, T1017M, T985M, T1061M, T921M, T1046M, T976M.
Identifiers: ClinVar variation 1898819 (VCV001898819.4), dbSNP rs564215930, ClinGen allele CA7206091.

ClinVar aggregate classification (germline): Uncertain significance. Review status: criteria provided, multiple submitters, no conflicts (2 of 4 stars). 2 submissions from 2 submitters: Uncertain significance (2). Last evaluated 2025-06-03.

Conditions:
Inborn genetic diseases. Identifiers: MedGen C0950123, MeSH D030342.
Joubert syndrome 23 (JBTS23). Identifiers: Orphanet 475, MedGen C4084822, MONDO:0014664, OMIM 616490.
Short-rib thoracic dysplasia 14 with polydactyly (SRTD14). Identifiers: Orphanet 397715, MedGen C4225286, MONDO:0014688, OMIM 616546.

Allele frequency attached by ClinVar (database versions not stated): gnomAD exomes 0.00001; 1000 Genomes Project 0.00020; 1000 Genomes Project 30x 0.00031; ExAC 0.00002; gnomAD 0.00001; TOPMed 0.00001.
gnomAD v4.1: 11 of 1,613,230 alleles (0.00068%); highest among the groups gnomAD compares: East Asian, 0.0045%; no homozygotes.

Submissions (2):

Ambry Genetics
Classification: Uncertain significance for Inborn genetic diseases. Last evaluated: 2025-06-03. Review status: criteria provided, single submitter. Criteria: Ambry Variant Classification Scheme 2023. Collection method: clinical testing. Allele origin: germline.

Labcorp Genetics (formerly Invitae), Labcorp
Classification: Uncertain significance for Joubert syndrome 23; Short-rib thoracic dysplasia 14 with polydactyly. Last evaluated: 2024-04-20. Review status: criteria provided, single submitter. Criteria: Invitae Variant Classification Sherloc (09022015). Collection method: clinical testing. Allele origin: germline.
Comment: This sequence change replaces threonine, which is neutral and polar, with methionine, which is neutral and non-polar, at codon 1114 of the KIAA0586 protein (p.Thr1114Met). This variant is present in population databases (rs564215930, gnomAD 0.006%). This variant has not been reported in the literature in individuals affected with KIAA0586-related conditions. ClinVar contains an entry for this variant (Variation ID: 1898819). Advanced modeling of protein sequence and biophysical properties (such as structural, functional, and spatial information, amino acid conservation, physicochemical variation, residue mobility, and thermodynamic stability) performed at Invitae indicates that this missense variant is expected to disrupt KIAA0586 protein function with a positive predictive value of 80%. In summary, the available evidence is currently insufficient to determine the role of this variant in disease. Therefore, it has been classified as a Variant of Uncertain Significance.